The following is an entry in ClinVar:

ClinVar aggregate classification (germline): Pathogenic. Review status: criteria provided, single submitter (1 of 4 stars). 2 submissions from 2 submitters: Pathogenic (1). 1 of the submissions does not count toward it. Last evaluated 2024-01-11.

Conditions:
Polycystic lipomembranous osteodysplasia with sclerosing leukoencephalopathy 1 (PLOSL1). Also called: TYROBP-Related Polycystic Lipomembranous Osteodysplasia with Sclerosing Leukoencephalopathy. Identifiers: Orphanet 2770, MedGen C4721893, MONDO:0020749, OMIM 221770.

Allele frequency attached by ClinVar (database versions not stated): gnomAD exomes below 0.00001; TOPMed below 0.00001.
gnomAD v4.1: 5 of 1,614,138 alleles (0.00031%); highest among the groups gnomAD compares: South Asian, 0.0011%; no homozygotes.

Submissions (2):

Labcorp Genetics (formerly Invitae), Labcorp
Classification: Pathogenic. Last evaluated: 2024-01-11. Review status: criteria provided, single submitter. Criteria: Invitae Variant Classification Sherloc (09022015). Collection method: clinical testing. Allele origin: germline.
Comment: This sequence change replaces tyrosine, which is neutral and polar, with cysteine, which is neutral and slightly polar, at codon 38 of the TREM2 protein (p.Tyr38Cys). The frequency data for this variant in the population databases is considered unreliable, as metrics indicate poor data quality at this position in the gnomAD database. This missense change has been observed in individuals with frontotemporal dementia (PMID: 23318515, 23870839, 30042649, 33969597). It has also been observed to segregate with disease in related individuals. ClinVar contains an entry for this variant (Variation ID: 192241). An algorithm developed to predict the effect of missense changes on protein structure and function (PolyPhen-2) suggests that this variant is likely to be disruptive. Experimental studies have shown that this missense change affects TREM2 function (PMID: 24990881, 25615530, 28768830). For these reasons, this variant has been classified as Pathogenic.

GeneReviews
No classification provided. Condition: Polycystic lipomembranous osteodysplasia with sclerosing leukoencephalopathy 1. Review status: no classification provided. Collection method: literature only. Allele origin: germline. Affected: yes. Not counted in ClinVar's aggregate classification.

Literature cited by the submitters: PubMed 23318515 (cited by Labcorp Genetics (formerly Invitae), Labcorp); PubMed 23870839 (cited by Labcorp Genetics (formerly Invitae), Labcorp); PubMed 30042649 (cited by Labcorp Genetics (formerly Invitae), Labcorp); PubMed 33969597 (cited by Labcorp Genetics (formerly Invitae), Labcorp); PubMed 24990881 (cited by Labcorp Genetics (formerly Invitae), Labcorp); PubMed 25615530 (cited by Labcorp Genetics (formerly Invitae), Labcorp); PubMed 28768830 (cited by Labcorp Genetics (formerly Invitae), Labcorp); NCBI Bookshelf NBK1197 (cited by GeneReviews).

NM_018965.4(TREM2):c.113A>G (p.Tyr38Cys)

Gene: TREM2 (triggering receptor expressed on myeloid cells 2; minus strand). Cytogenetic location: 6p21.1.
Variant type: single nucleotide variant.
Coding change: c.113A>G on transcript NM_018965.4 (MANE Select); coding-DNA position 113, A replaced by G.
Protein change: p.Tyr38Cys; replaces tyrosine 38 with cysteine.
Molecular consequence: missense variant.
Genome position (GRCh38, 1-based): chr6:41,161,541, T>C on the plus strand (A>G on the coding strand, the complement: TREM2 is on the minus strand). VCF-style: chr6-41161541-T-C. GRCh37 (hg19) VCF-style: chr6-41129279-T-C.
Other names: c.113A>G, p.Tyr38Cys (NM_001271821.2); short protein forms Y38C.
Identifiers: ClinVar variation 192241 (VCV000192241.6), dbSNP rs797044603, ClinGen allele CA347272.